The following is an entry in ClinVar:

ClinVar aggregate classification (germline): Uncertain significance. Review status: criteria provided, multiple submitters, no conflicts (2 of 4 stars). 2 submissions from 2 submitters: Uncertain significance (2). Last evaluated 2025-11-24.

Conditions:
Meckel-Gruber syndrome. Also called: DYSENCEPHALIA SPLANCHNOCYSTICA; GRUBER SYNDROME; Dysencephalia splachnocystica. Identifiers: Orphanet 564, MedGen C0265215, MONDO:0018921.
Joubert syndrome. Also called: CEREBELLOPARENCHYMAL DISORDER IV; JOUBERT-BOLTSHAUSER SYNDROME; Familial aplasia of the vermis. Identifiers: Orphanet 475, MedGen C5979921, MONDO:0018772.
Inborn genetic diseases. Identifiers: MedGen C0950123, MeSH D030342.

Allele frequency attached by ClinVar (database versions not stated): gnomAD exomes below 0.00001 and 0.00001; ExAC 0.00001; gnomAD 0.00001.
gnomAD v4.1: 20 of 1,614,088 alleles (0.0012%); highest among the groups gnomAD compares: African/African-American, 0.0053%; no homozygotes.

Submissions (2):

Ambry Genetics
Classification: Uncertain significance for Inborn genetic diseases. Last evaluated: 2025-11-24. Review status: criteria provided, single submitter. Criteria: Ambry Variant Classification Scheme 2023. Collection method: clinical testing. Allele origin: germline.

Labcorp Genetics (formerly Invitae), Labcorp
Classification: Uncertain significance for Joubert syndrome; Meckel-Gruber syndrome. Last evaluated: 2025-02-03. Review status: criteria provided, single submitter. Criteria: Invitae Variant Classification Sherloc (09022015). Collection method: clinical testing. Allele origin: germline.
Comment: This sequence change replaces leucine, which is neutral and non-polar, with phenylalanine, which is neutral and non-polar, at codon 555 of the TCTN1 protein (p.Leu555Phe). This variant is present in population databases (rs375896348, gnomAD 0.003%). This variant has not been reported in the literature in individuals affected with TCTN1-related conditions. ClinVar contains an entry for this variant (Variation ID: 1471235). An algorithm developed to predict the effect of missense changes on protein structure and function outputs the following: PolyPhen-2: "Benign". The phenylalanine amino acid residue is found in multiple mammalian species, which suggests that this missense change does not adversely affect protein function. In summary, the available evidence is currently insufficient to determine the role of this variant in disease. Therefore, it has been classified as a Variant of Uncertain Significance.

NM_001082538.3(TCTN1):c.1663C>T (p.Leu555Phe)

Gene: TCTN1 (tectonic family member 1; plus strand). Cytogenetic location: 12q24.11.
Variant type: single nucleotide variant.
Coding change: c.1663C>T on transcript NM_001082538.3 (MANE Select); coding-DNA position 1663, C replaced by T.
Protein change: p.Leu555Phe; replaces leucine 555 with phenylalanine.
Molecular consequence: missense variant. On other transcripts: non-coding transcript variant (1).
Genome position (GRCh38, 1-based): chr12:110,647,776, C>T. VCF-style: chr12-110647776-C-T. GRCh37 (hg19) VCF-style: chr12-111085581-C-T.
Other names: c.1648C>T, p.Leu550Phe (NM_001082537.3); c.1480C>T, p.Leu494Phe (NM_001173975.3); c.1336C>T, p.Leu446Phe (NM_001173976.2); c.1501C>T, p.Leu501Phe (NM_001319680.2); c.1114C>T, p.Leu372Phe (NM_001319681.2); c.1606C>T, p.Leu536Phe (NM_024549.6); c.1663C>T (NM_001082538.2); short protein forms L536F, L446F, L501F, L550F, L555F, L372F, L494F.
Identifiers: ClinVar variation 1471235 (VCV001471235.7), dbSNP rs375896348, ClinGen allele CA6786972.
Genomic context (GRCh38, chr12:110,647,776, plus strand): 5'-AGGGTGGGCCTTGCATCTCTCTGTTTATTACAGGCCAACTCAGGAAATGAAAGGACGATT[C>T]TTATTTCCACTGCGGTTACTTTTGTGGATGTGTCTGCACCTGCAGAGGCAGGCTTCAGAG-3'
Protein context (NP_001076007.1, residues 545-565): EANSGNERTI[Leu555Phe]ISTAVTFVDV